The following is an entry in ClinVar:

NM_024675.4(PALB2):c.1452A>T (p.Leu484Phe)

Gene: PALB2 (partner and localizer of BRCA2; minus strand). Cytogenetic location: 16p12.2.
Variant type: single nucleotide variant.
Coding change: c.1452A>T on transcript NM_024675.4 (MANE Select); coding-DNA position 1452, A replaced by T.
Protein change: p.Leu484Phe; replaces leucine 484 with phenylalanine.
Molecular consequence: missense variant.
Genome position (GRCh38, 1-based): chr16:23,635,094, T>A on the plus strand (A>T on the coding strand, the complement: PALB2 is on the minus strand). VCF-style: chr16-23635094-T-A. GRCh37 (hg19) VCF-style: chr16-23646415-T-A.
Other names: short protein forms L484F.
Identifiers: ClinVar variation 1376652 (VCV001376652.9), dbSNP rs1262680014, ClinGen allele CA395131222.

ClinVar aggregate classification (germline): Uncertain significance (1 of 4 stars; one submission).

Conditions:
Familial cancer of breast. Also called: Hereditary breast cancer; BREAST CANCER, FAMILIAL; hereditary breast carcinoma. Identifiers: Orphanet 227535, MedGen C0346153, MONDO:0016419, OMIM 114480. Disease mechanism: loss of function.

Submission:

Labcorp Genetics (formerly Invitae), Labcorp
Classification: Uncertain significance for Familial cancer of breast. Last evaluated: 2022-08-31. Review status: criteria provided, single submitter. Criteria: Invitae Variant Classification Sherloc (09022015). Collection method: clinical testing. Allele origin: germline.
Comment: In summary, the available evidence is currently insufficient to determine the role of this variant in disease. Therefore, it has been classified as a Variant of Uncertain Significance. Algorithms developed to predict the effect of missense changes on protein structure and function are either unavailable or do not agree on the potential impact of this missense change (SIFT: "Tolerated"; PolyPhen-2: "Possibly Damaging"; Align-GVGD: "Class C0"). ClinVar contains an entry for this variant (Variation ID: 1376652). This variant has not been reported in the literature in individuals affected with PALB2-related conditions. This variant is not present in population databases (gnomAD no frequency). This sequence change replaces leucine, which is neutral and non-polar, with phenylalanine, which is neutral and non-polar, at codon 484 of the PALB2 protein (p.Leu484Phe).